The following is an entry in ClinVar:

NM_014363.6(SACS):c.7641dup (p.Glu2548fs)

Gene: SACS (sacsin molecular chaperone; minus strand). Cytogenetic location: 13q12.12.
Variant type: Duplication.
Coding change: c.7641dup on transcript NM_014363.6 (MANE Select); coding-DNA position 7641, one base duplicated (A; older notation c.7641dupA).
Protein change: p.Glu2548fs; shifts the reading frame from glutamic acid 2548.
Genome position (GRCh38, 1-based): chr13:23,336,235, T duplicated on the plus strand (A on the coding strand, the reverse complement: SACS is on the minus strand); the first of 3 consecutive T bases (chr13:23,336,235-23,336,237); duplicating any one gives the same sequence. VCF-style (leftmost placement, unchanged base first): chr13-23336234-C-CT. GRCh37 (hg19) VCF-style: chr13-23910373-C-CT.
Other names: NM_014363.4:c.7641dupA; p.Glu2548ArgfsX7; c.7200dup, p.Glu2401fs (NM_001278055.2); short protein forms E2401fs, E2548fs.
Identifiers: ClinVar variation 228393 (VCV000228393.5), dbSNP rs876657720, ClinGen allele CA10576939.

ClinVar aggregate classification (germline): Pathogenic (1 of 4 stars; one submission).

Conditions:
Autosomal recessive spastic ataxia. Identifiers: Orphanet 316240, MedGen C5679900, MONDO:0017847.

Submission:

Laboratory for Molecular Medicine, Mass General Brigham Personalized Medicine
Classification: Pathogenic for Autosomal recessive spastic ataxia. Last evaluated: 2015-08-08. Review status: criteria provided, single submitter. Criteria: LMM Criteria. Collection method: clinical testing. Allele origin: germline. Inheritance: Autosomal recessive inheritance. Observed: 2 variant alleles.
Comment: The p.Glu2548fs variant in SACS has not been previously reported in individuals with clinical features of autosomal recessive spastic ataxia of Charlevoix-Sague nay (ARSACS) or in large population studies. This variant is predicted to cause a frameshift, which alters the protein?s amino acid sequence beginning at positi on 2548 and leads to a premature termination codon 7 amino acids downstream. Thi s premature termination codon occurs within the last exon of the gene (exon 10), and is more likely to escape nonsense mediated decay (NMD). Therefore, this var iant is predicted to result in a truncated protein that is 2025 amino acids shor ter and lacks several functional domains of the normal protein. Loss of function variants in the SACS gene, most of which occur in exon 10, have been reported i n several patients with ARSACS (Bouhlal 2011), and animal models support a loss of function mechanism of disease (Lariviere 2015). In summary, this variant meet s our criteria to be classified as pathogenic for ARSACS in an autosomal recessi ve manner.

Literature cited by the submitters: PubMed 20876471; PubMed 21450511; PubMed 24180463.